The following is an entry in ClinVar:

NM_022124.6(CDH23):c.3106+2T>G

Gene: CDH23 (cadherin related 23; plus strand). Cytogenetic location: 10q22.1.
Variant type: single nucleotide variant.
Coding change: c.3106+2T>G on transcript NM_022124.6 (MANE Select); the canonical splice donor site of the intron after coding-DNA position 3106, T replaced by G.
Molecular consequence: splice donor variant. On other transcripts: synonymous variant (1).
Genome position (GRCh38, 1-based): chr10:71,707,051, T>G. VCF-style: chr10-71707051-T-G. GRCh37 (hg19) VCF-style: chr10-73466808-T-G.
Other names: c.3108T>G, p.Gly1036= (NM_001171931.2); c.3106+2T>G (NM_001171930.2).
Identifiers: ClinVar variation 2813855 (VCV002813855.3), dbSNP rs2494071259, ClinGen allele CA377141749.
Genomic context (GRCh38, chr10:71,707,051, plus strand): 5'-GCTGAACTGCACGGACAACGACGTGGGCCTCAATGCAGAGCTCAGCTACTTCATCACAGG[T>G]GCTGCCCCGGCCTCCGCCCACCTGTGCAGGCCTCCTGGGGCCCTGCCTCCACCCCTCCCA-3'

ClinVar aggregate classification (germline): Likely pathogenic (1 of 4 stars; one submission).

Submission:

Labcorp Genetics (formerly Invitae), Labcorp
Classification: Likely pathogenic. Last evaluated: 2022-11-12. Review status: criteria provided, single submitter. Criteria: Invitae Variant Classification Sherloc (09022015). Collection method: clinical testing. Allele origin: germline.
Comment: In summary, the currently available evidence indicates that the variant is pathogenic, but additional data are needed to prove that conclusively. Therefore, this variant has been classified as Likely Pathogenic. This sequence change affects a donor splice site in intron 26 of the CDH23 gene. It is expected to disrupt RNA splicing. Variants that disrupt the donor or acceptor splice site typically lead to a loss of protein function (PMID: 16199547), and loss-of-function variants in CDH23 are known to be pathogenic (PMID: 11138009, 21940737). This variant is not present in population databases (gnomAD no frequency). This variant has not been reported in the literature in individuals affected with CDH23-related conditions. Algorithms developed to predict the effect of sequence changes on RNA splicing suggest that this variant may disrupt the consensus splice site.

Literature cited by the submitters: PubMed 16199547; PubMed 11138009; PubMed 21940737.